The following is an entry in ClinVar:

ClinVar aggregate classification (germline): Uncertain significance (1 of 4 stars; one submission).

Allele frequency attached by ClinVar (database versions not stated): gnomAD exomes below 0.00001 and 0.00001; gnomAD 0.00001; TOPMed 0.00002.
gnomAD v4.1: 19 of 1,613,582 alleles (0.0012%); highest among the groups gnomAD compares: Non-Finnish European, 0.0015%; no homozygotes.

Submission:

Labcorp Genetics (formerly Invitae), Labcorp
Classification: Uncertain significance. Last evaluated: 2023-07-03. Review status: criteria provided, single submitter. Criteria: Invitae Variant Classification Sherloc (09022015). Collection method: clinical testing. Allele origin: germline.
Comment: This sequence change replaces arginine, which is basic and polar, with tryptophan, which is neutral and slightly polar, at codon 1035 of the TTLL5 protein (p.Arg1035Trp). In summary, the available evidence is currently insufficient to determine the role of this variant in disease. Therefore, it has been classified as a Variant of Uncertain Significance. Advanced modeling of protein sequence and biophysical properties (such as structural, functional, and spatial information, amino acid conservation, physicochemical variation, residue mobility, and thermodynamic stability) performed at Invitae indicates that this missense variant is not expected to disrupt TTLL5 protein function. ClinVar contains an entry for this variant (Variation ID: 1524162). This variant has not been reported in the literature in individuals affected with TTLL5-related conditions. This variant is present in population databases (no rsID available, gnomAD 0.002%).

NM_015072.5(TTLL5):c.3103C>T (p.Arg1035Trp)

Gene: TTLL5 (tubulin tyrosine ligase like 5; plus strand). Cytogenetic location: 14q24.3.
Variant type: single nucleotide variant.
Coding change: c.3103C>T on transcript NM_015072.5 (MANE Select); coding-DNA position 3103, C replaced by T.
Protein change: p.Arg1035Trp; replaces arginine 1035 with tryptophan.
Molecular consequence: missense variant.
Genome position (GRCh38, 1-based): chr14:75,793,032, C>T. VCF-style: chr14-75793032-C-T. GRCh37 (hg19) VCF-style: chr14-76259375-C-T.
Other names: short protein forms R1035W.
Identifiers: ClinVar variation 1524162 (VCV001524162.6), dbSNP rs1348688599, ClinGen allele CA390473420.